The following is an entry in ClinVar:

NM_020366.4(RPGRIP1):c.1464C>G (p.Ile488Met)

Gene: RPGRIP1 (RPGR interacting protein 1; plus strand). Cytogenetic location: 14q11.2.
Variant type: single nucleotide variant.
Coding change: c.1464C>G on transcript NM_020366.4 (MANE Select); coding-DNA position 1464, C replaced by G.
Protein change: p.Ile488Met; replaces isoleucine 488 with methionine.
Molecular consequence: missense variant. On other transcripts: 5 prime UTR variant (1).
Genome position (GRCh38, 1-based): chr14:21,320,174, C>G. VCF-style: chr14-21320174-C-G. GRCh37 (hg19) VCF-style: chr14-21788333-C-G.
Other names: c.390C>G, p.Ile130Met (NM_001377523.1, NM_001377948.1, NM_001377949.1 and 1 more transcripts); c.-109C>G (NM_001377951.1); short protein forms I130M, I488M.
Identifiers: ClinVar variation 2158740 (VCV002158740.2), dbSNP rs370711678, ClinGen allele CA388864918.

ClinVar aggregate classification (germline): Uncertain significance. Review status: criteria provided, multiple submitters, no conflicts (2 of 4 stars). 2 submissions from 2 submitters: Uncertain significance (2). Last evaluated 2022-08-02.

Conditions:
Leber congenital amaurosis 6 (LCA6). Identifiers: Orphanet 65, MedGen C1854260, MONDO:0013446, OMIM 613826.
Cone-rod dystrophy 13 (CORD13). Identifiers: Orphanet 1872, MedGen C2750720, MONDO:0011987, OMIM 608194.

Submissions (2):

Labcorp Genetics (formerly Invitae), Labcorp
Classification: Uncertain significance for Leber congenital amaurosis 6; Cone-rod dystrophy 13. Last evaluated: 2022-08-02. Review status: criteria provided, single submitter. Criteria: Invitae Variant Classification Sherloc (09022015). Collection method: clinical testing. Allele origin: germline.
Comment: This sequence change replaces isoleucine, which is neutral and non-polar, with methionine, which is neutral and non-polar, at codon 488 of the RPGRIP1 protein (p.Ile488Met). This variant is present in population databases (no rsID available, gnomAD 0.006%). This variant has not been reported in the literature in individuals affected with RPGRIP1-related conditions. Algorithms developed to predict the effect of missense changes on protein structure and function (SIFT, PolyPhen-2, Align-GVGD) all suggest that this variant is likely to be tolerated. In summary, the available evidence is currently insufficient to determine the role of this variant in disease. Therefore, it has been classified as a Variant of Uncertain Significance.

Blueprint Genetics
Classification: Uncertain significance. Last evaluated: 2022-02-08. Review status: criteria provided, single submitter. Criteria: ACMG Guidelines, 2015. Collection method: clinical testing. Allele origin: germline.